The following is an entry in ClinVar:

ClinVar aggregate classification (germline): Uncertain significance. Review status: criteria provided, multiple submitters, no conflicts (2 of 4 stars). 3 submissions from 3 submitters: Uncertain significance (3). Last evaluated 2025-11-12.

Conditions:
Familial cancer of breast. Also called: hereditary breast carcinoma; BREAST CANCER, FAMILIAL; Hereditary breast cancer. Identifiers: Orphanet 227535, MedGen C0346153, MONDO:0016419, OMIM 114480. Disease mechanism: loss of function.
Hereditary cancer-predisposing syndrome. Also called: Tumor predisposition; Hereditary neoplastic syndrome; Hereditary Cancer Syndrome; Neoplastic Syndromes, Hereditary. Identifiers: Orphanet 140162, MedGen C0027672, MeSH D009386, MONDO:0015356.

Submissions (3):

Ambry Genetics
Classification: Uncertain significance for Hereditary cancer-predisposing syndrome. Last evaluated: 2025-11-12. Review status: criteria provided, single submitter. Criteria: Ambry Variant Classification Scheme 2023. Collection method: clinical testing. Allele origin: germline.
Comment: The p.G697S variant (also known as c.2089G>A), located in coding exon 5 of the PALB2 gene, results from a G to A substitution at nucleotide position 2089. The glycine at codon 697 is replaced by serine, an amino acid with similar properties. This amino acid position is not well conserved in available vertebrate species. In addition, this alteration is predicted to be tolerated by in silico analysis. Since supporting evidence is limited at this time, the clinical significance of this alteration remains unclear.

Color Diagnostics, LLC DBA Color Health
Classification: Uncertain significance for Hereditary cancer-predisposing syndrome. Last evaluated: 2025-08-07. Review status: criteria provided, single submitter. Criteria: ACMG Guidelines, 2015. Collection method: clinical testing. Allele origin: germline.
Comment: This missense variant replaces glycine with serine at codon 697 of the PALB2 protein. Computational prediction suggests that this variant may not impact protein structure and function. To our knowledge, functional studies have not been reported for this variant. This variant has not been reported in individuals affected with PALB2-related disorders in the literature. This variant has not been identified in the general population by the Genome Aggregation Database (gnomAD). The available evidence is insufficient to determine the role of this variant in disease conclusively. Therefore, this variant is classified as a Variant of Uncertain Significance.

Labcorp Genetics (formerly Invitae), Labcorp
Classification: Uncertain significance for Familial cancer of breast. Last evaluated: 2020-08-03. Review status: criteria provided, single submitter. Criteria: Invitae Variant Classification Sherloc (09022015). Collection method: clinical testing. Allele origin: germline.
Comment: In summary, the available evidence is currently insufficient to determine the role of this variant in disease. Therefore, it has been classified as a Variant of Uncertain Significance. Algorithms developed to predict the effect of missense changes on protein structure and function (SIFT, PolyPhen-2, Align-GVGD) all suggest that this variant is likely to be tolerated, but these predictions have not been confirmed by published functional studies and their clinical significance is uncertain. This variant has not been reported in the literature in individuals with PALB2-related disease. This variant is not present in population databases (ExAC no frequency). This sequence change replaces glycine with serine at codon 697 of the PALB2 protein (p.Gly697Ser). The glycine residue is moderately conserved and there is a small physicochemical difference between glycine and serine.

NM_024675.4(PALB2):c.2089G>A (p.Gly697Ser)

Gene: PALB2 (partner and localizer of BRCA2; minus strand). Cytogenetic location: 16p12.2.
Variant type: single nucleotide variant.
Coding change: c.2089G>A on transcript NM_024675.4 (MANE Select); coding-DNA position 2089, G replaced by A.
Protein change: p.Gly697Ser; replaces glycine 697 with serine.
Molecular consequence: missense variant.
Genome position (GRCh38, 1-based): chr16:23,630,065, C>T on the plus strand (G>A on the coding strand, the complement: PALB2 is on the minus strand). VCF-style: chr16-23630065-C-T. GRCh37 (hg19) VCF-style: chr16-23641386-C-T.
Other names: short protein forms G697S.
Identifiers: ClinVar variation 576843 (VCV000576843.14), dbSNP rs1567218116, ClinGen allele CA395125821.
Genomic context (GRCh38, chr16:23,630,065, plus strand): 5'-CATTATCATCAGGCGCAACCGTATTTAAAGGAGTATAAAGTAATATGGATGAAGAAAGGC[C>T]CGTCTTTGTATGCTGGCTTTGCGAGTTTGGCCTTTTGGGATGTGATTTTCCTGGTAGAAC-3'
Protein context (NP_078951.2, residues 687-707): PNSQSQHTKT[Gly697Ser]LSSSILLYTP